The following is an entry in ClinVar:

ClinVar aggregate classification (germline): Uncertain significance (1 of 4 stars; one submission).

Conditions:
Tuberous sclerosis 2 (TSC2). Identifiers: Orphanet 805, MedGen C1860707, MONDO:0013199, OMIM 613254.

Submission:

Labcorp Genetics (formerly Invitae), Labcorp
Classification: Uncertain significance for Tuberous sclerosis 2. Last evaluated: 2025-06-17. Review status: criteria provided, single submitter. Criteria: Invitae Variant Classification Sherloc (09022015). Collection method: clinical testing. Allele origin: germline.
Comment: This sequence change replaces valine, which is neutral and non-polar, with glycine, which is neutral and non-polar, at codon 339 of the TSC2 protein (p.Val339Gly). This variant is not present in population databases (gnomAD no frequency). This variant has not been reported in the literature in individuals affected with TSC2-related conditions. Invitae Evidence Modeling of protein sequence and biophysical properties (such as structural, functional, and spatial information, amino acid conservation, physicochemical variation, residue mobility, and thermodynamic stability) indicates that this missense variant is not expected to disrupt TSC2 protein function with a negative predictive value of 95%. In summary, the available evidence is currently insufficient to determine the role of this variant in disease. Therefore, it has been classified as a Variant of Uncertain Significance.

NM_000548.5(TSC2):c.1016T>G (p.Val339Gly)

Gene: TSC2 (TSC complex subunit 2; plus strand). Cytogenetic location: 16p13.3.
Variant type: single nucleotide variant.
Coding change: c.1016T>G on transcript NM_000548.5 (MANE Select); coding-DNA position 1016, T replaced by G.
Protein change: p.Val339Gly; replaces valine 339 with glycine.
Molecular consequence: missense variant. On other transcripts: 5 prime UTR variant (10), non-coding transcript variant (5).
Genome position (GRCh38, 1-based): chr16:2,060,710, T>G. VCF-style: chr16-2060710-T-G. GRCh37 (hg19) VCF-style: chr16-2110711-T-G.
Other names: c.1016T>G, p.Val339Gly (NM_001370405.1, NM_001406663.1, NM_001406664.1 and 6 more transcripts); c.1106T>G, p.Val369Gly (NM_001406667.1, NM_001406668.1); c.905T>G, p.Val302Gly (NM_001406670.1, NM_001318827.2, NM_001406678.1); c.1004T>G, p.Val335Gly (NM_001406671.1, NM_001406673.1); c.869T>G, p.Val290Gly (NM_001406675.1, NM_001318829.2, NM_001406676.1 and 1 more transcripts); c.416T>G, p.Val139Gly (NM_001318831.2, NM_001406680.1, NM_001406682.1 and 6 more transcripts); c.1049T>G, p.Val350Gly (NM_001318832.2); c.959T>G, p.Val320Gly (NM_001406677.1); and 4 more; short protein forms V185G, V302G, V369G, V139G, V335G, V339G, V290G, V320G.
Identifiers: ClinVar variation 4736826 (VCV004736826.1).